The following is an entry in ClinVar:

NM_005045.4(RELN):c.7867G>A (p.Val2623Met)

Gene: RELN (reelin; minus strand). Cytogenetic location: 7q22.1.
Variant type: single nucleotide variant.
Coding change: c.7867G>A on transcript NM_005045.4 (MANE Select); coding-DNA position 7867, G replaced by A.
Protein change: p.Val2623Met; replaces valine 2623 with methionine.
Molecular consequence: missense variant.
Genome position (GRCh38, 1-based): chr7:103,515,437, C>T on the plus strand (G>A on the coding strand, the complement: RELN is on the minus strand). VCF-style: chr7-103515437-C-T. GRCh37 (hg19) VCF-style: chr7-103155884-C-T.
Other names: c.7867G>A, p.Val2623Met (NM_173054.3); short protein forms V2623M.
Identifiers: ClinVar variation 1315890 (VCV001315890.2), dbSNP rs2117076560, ClinGen allele CA368763603.

ClinVar aggregate classification (germline): Uncertain significance (1 of 4 stars; one submission).

gnomAD v4.1: 4 of 1,614,000 alleles (0.00025%); highest among the groups gnomAD compares: African/African-American, 0.0013%; no homozygotes.

Submission:

GeneDx
Classification: Uncertain significance. Last evaluated: 2019-11-10. Review status: criteria provided, single submitter. Criteria: GeneDx Variant Classification Process June 2021. Collection method: clinical testing. Allele origin: germline. Affected: yes.
Comment: Not observed in large population cohorts (Lek et al., 2016); In silico analysis, which includes protein predictors and evolutionary conservation, supports that this variant does not alter protein structure/function; Has not been previously published as pathogenic or benign to our knowledge